The following is an entry in ClinVar:

ClinVar aggregate classification (germline): Likely benign. Review status: criteria provided, multiple submitters, no conflicts (2 of 4 stars). 2 submissions from 2 submitters: Likely benign (2). Last evaluated 2024-09-23.

Conditions:
Cornelia de Lange syndrome 5 (CDLS5). Also called: HDAC8-Related Cornelia de Lange Syndrome. Identifiers: Orphanet 199, MedGen C3550903, MONDO:0010471, OMIM 300882.

Allele frequency attached by ClinVar (database versions not stated): gnomAD 0.00001; gnomAD exomes 0.00001; TOPMed 0.00001.
gnomAD v4.1: 12 of 1,209,608 alleles (0.00099%); highest among the groups gnomAD compares: Non-Finnish European, 0.0013%; no homozygotes.

Submissions (2):

Labcorp Genetics (formerly Invitae), Labcorp
Classification: Likely benign for Cornelia de Lange syndrome 5. Last evaluated: 2024-09-23. Review status: criteria provided, single submitter. Criteria: Invitae Variant Classification Sherloc (09022015). Collection method: clinical testing. Allele origin: germline.

CeGaT Center for Human Genetics Tuebingen
Classification: Likely benign. Last evaluated: 2022-08-01. Review status: criteria provided, single submitter. Criteria: CeGaT Center For Human Genetics Tuebingen Variant Classification Criteria Version 2. Collection method: clinical testing. Allele origin: germline. Affected: yes. Observed: 1 variant allele.
Comment: HDAC8: BP4, BP7

NM_018486.3(HDAC8):c.342T>C (p.Ala114=)

Gene: HDAC8 (histone deacetylase 8; minus strand). Cytogenetic location: Xq13.1.
Variant type: single nucleotide variant.
Coding change: c.342T>C on transcript NM_018486.3 (MANE Select); coding-DNA position 342, T replaced by C.
Protein change: p.Ala114=; no amino-acid change (alanine 114 retained).
Molecular consequence: synonymous variant. On other transcripts: intron variant (2).
Genome position (GRCh38, 1-based): chrX:72,567,984, A>G on the plus strand (T>C on the coding strand, the complement: HDAC8 is on the minus strand). VCF-style: chrX-72567984-A-G. GRCh37 (hg19) VCF-style: chrX-71787834-A-G.
Other names: c.342T>C, p.Ala114= (NM_001166419.2, NM_001166420.2, NM_001166422.2); c.164+4073T>C (NM_001166418.2, NM_001166448.2).
Identifiers: ClinVar variation 1577111 (VCV001577111.32), dbSNP rs1324464792, ClinGen allele CA516748520.